The following is an entry in ClinVar:

ClinVar aggregate classification (germline): Likely pathogenic (1 of 4 stars; one submission).

Submission:

GeneDx
Classification: Likely pathogenic. Last evaluated: 2016-01-26. Review status: criteria provided, single submitter. Criteria: GeneDx Variant Classification (06012015). Collection method: clinical testing. Allele origin: germline. Affected: yes.
Comment: This deletion of 10 nucleotides in ATM is denoted c.1697_1706del10 at the cDNA level and p.Val566AlafsX4 (V566AfsX4) at the protein level. The surrounding sequence is GAAG[del10]CTTT. The deletion causes a frameshift, which changes a Valine to an Alanine at codon 566, and creates a premature stop codon at position 4 of the new reading frame. Although this variant has not, to our knowledge, been reported in the literature, it is predicted to cause loss of normal protein function through either protein truncation or nonsense-mediated mRNA decay. Based on the currently available information, we consider this deletion to be a likely pathogenic variant.

NM_000051.4(ATM):c.1697_1706del (p.Val566fs)

Gene: ATM (ATM serine/threonine kinase; plus strand). Cytogenetic location: 11q22.3.
Variant type: Deletion.
Coding change: c.1697_1706del on transcript NM_000051.4 (MANE Select); coding-DNA positions 1697 to 1706, 10 bases deleted (TAAATAGAAG; older notation c.1697_1706delTAAATAGAAG).
Protein change: p.Val566fs; shifts the reading frame from valine 566.
Molecular consequence: frameshift variant.
Genome position (GRCh38, 1-based): chr11:108,251,926-108,251,935, TAAATAGAAG deleted; deleting any 10 consecutive bases within chr11:108,251,922-108,251,935 gives the same sequence; the c. name uses the placement nearest the transcript's 3' end. VCF-style (leftmost placement, unchanged base first): chr11-108251921-TGAAGTAAATA-T. GRCh37 (hg19) VCF-style: chr11-108122648-TGAAGTAAATA-T.
Other names: c.1697_1706del, p.Val566fs (NM_001351834.2); c.1697_1706delTAAATAGAAG (NM_000051.3); short protein forms V566fs.
Identifiers: ClinVar variation 420421 (VCV000420421.2), dbSNP rs1064794468, ClinGen allele CA16619123.